The following is an entry in ClinVar:

ClinVar aggregate classification (germline): Uncertain significance (1 of 4 stars; one submission).

Submission:

Labcorp Genetics (formerly Invitae), Labcorp
Classification: Uncertain significance. Last evaluated: 2022-03-13. Review status: criteria provided, single submitter. Criteria: Invitae Variant Classification Sherloc (09022015). Collection method: clinical testing. Allele origin: germline.
Comment: This sequence change replaces leucine, which is neutral and non-polar, with glutamine, which is neutral and polar, at codon 23 of the OSTM1 protein (p.Leu23Gln). Information on the frequency of this variant in the gnomAD database is not available, as this variant may be reported differently in the database. This variant has not been reported in the literature in individuals affected with OSTM1-related conditions. Algorithms developed to predict the effect of missense changes on protein structure and function are either unavailable or do not agree on the potential impact of this missense change (SIFT: "Not Available"; PolyPhen-2: "Possibly Damaging"; Align-GVGD: "Not Available"). In summary, the available evidence is currently insufficient to determine the role of this variant in disease. Therefore, it has been classified as a Variant of Uncertain Significance.

NM_014028.4(OSTM1):c.68_69delinsAA (p.Leu23Gln)

Genes: OSTM1 (osteoclastogenesis associated transmembrane protein 1; minus strand), LOC129996933 (ATAC-STARR-seq lymphoblastoid silent region 17446; plus strand). Cytogenetic location: 6q21.
Variant type: Indel.
Coding change: c.68_69delinsAA on transcript NM_014028.4 (MANE Select); coding-DNA positions 68 to 69, TG replaced by AA.
Protein change: p.Leu23Gln; replaces leucine 23 with glutamine.
Molecular consequence: missense variant.
Genome position (GRCh38, 1-based): chr6:108,074,583-108,074,584, CA replaced by TT on the plus strand (TG replaced by AA on the coding strand, the reverse complement: OSTM1 is on the minus strand). VCF-style: chr6-108074583-CA-TT. GRCh37 (hg19) VCF-style: chr6-108395787-CA-TT.
Other names: short protein forms L23Q.
Identifiers: ClinVar variation 1934482 (VCV001934482.2), dbSNP rs2482243173, ClinGen allele CA2580074722.